The following is an entry in ClinVar:

NM_005445.4(SMC3):c.3047A>C (p.Glu1016Ala)

Gene: SMC3 (structural maintenance of chromosomes 3; plus strand). Cytogenetic location: 10q25.2.
Variant type: single nucleotide variant.
Coding change: c.3047A>C on transcript NM_005445.4 (MANE Select); coding-DNA position 3047, A replaced by C.
Protein change: p.Glu1016Ala; replaces glutamic acid 1016 with alanine.
Molecular consequence: missense variant.
Genome position (GRCh38, 1-based): chr10:110,602,120, A>C. VCF-style: chr10-110602120-A-C. GRCh37 (hg19) VCF-style: chr10-112361878-A-C.
Other names: short protein forms E1016A.
Identifiers: ClinVar variation 4823796 (VCV004823796.4).
Genomic context (GRCh38, chr10:110,602,120, plus strand): 5'-AGAAAGAAAAGTTAATAAAGCGTCAAGAAGAGTTAGATAGGGGTTACAAATCAATCATGG[A>C]ACTGATGAATGTACTTGAACTTCGGAAATATGAAGCTATTCAGTTAACTTTCAAACAGGT-3'
Protein context (NP_005436.1, residues 1006-1026): ELDRGYKSIM[Glu1016Ala]LMNVLELRKY

ClinVar aggregate classification (germline): Uncertain significance (1 of 4 stars; one submission).

Submission:

CeGaT Center for Human Genetics Tuebingen
Classification: Uncertain significance. Last evaluated: 2026-03-01. Review status: criteria provided, single submitter. Criteria: CeGaT Center For Human Genetics Tuebingen Variant Classification Criteria Version 2. Collection method: clinical testing. Allele origin: germline. Affected: yes. Observed: 1 variant allele.
Comment: SMC3: PM2, PP2, PP3